The following is an entry in ClinVar:

NM_000492.4(CFTR):c.2087A>G (p.Lys696Arg)

Gene: CFTR (CF transmembrane conductance regulator; plus strand). Cytogenetic location: 7q31.2.
Variant type: single nucleotide variant.
Coding change: c.2087A>G on transcript NM_000492.4 (MANE Select); coding-DNA position 2087, A replaced by G.
Protein change: p.Lys696Arg; replaces lysine 696 with arginine.
Molecular consequence: missense variant.
Genome position (GRCh38, 1-based): chr7:117,592,254, A>G. VCF-style: chr7-117592254-A-G. GRCh37 (hg19) VCF-style: chr7-117232308-A-G.
Other names: short protein forms K696R.
Identifiers: ClinVar variation 53438 (VCV000053438.5), dbSNP rs397508340, ClinGen allele CA326746.

ClinVar aggregate classification (germline): Uncertain significance. Review status: criteria provided, single submitter (1 of 4 stars). 3 submissions from 3 submitters: Uncertain significance (1). 2 of the submissions do not count toward it. Last evaluated 2023-11-03.

Conditions:
Cystic fibrosis (CF). Also called: MUCOVISCIDOSIS. Identifiers: Orphanet 586, MedGen C0010674, MONDO:0009061, OMIM 219700. Disease mechanism: loss of function.

Allele frequency attached by ClinVar (database versions not stated): gnomAD exomes below 0.00001.
gnomAD v4.1: 1 of 1,613,924 alleles (0.000062%); highest among the groups gnomAD compares: Non-Finnish European, 0.000085%; no homozygotes.

Submissions (3):

Labcorp Genetics (formerly Invitae), Labcorp
Classification: Uncertain significance for Cystic fibrosis. Last evaluated: 2023-11-03. Review status: criteria provided, single submitter. Criteria: Invitae Variant Classification Sherloc (09022015). Collection method: clinical testing. Allele origin: germline.
Comment: This sequence change replaces lysine, which is basic and polar, with arginine, which is basic and polar, at codon 696 of the CFTR protein (p.Lys696Arg). This variant is not present in population databases (gnomAD no frequency). This variant has not been reported in the literature in individuals affected with CFTR-related conditions. ClinVar contains an entry for this variant (Variation ID: 53438). Advanced modeling of protein sequence and biophysical properties (such as structural, functional, and spatial information, amino acid conservation, physicochemical variation, residue mobility, and thermodynamic stability) performed at Invitae indicates that this missense variant is not expected to disrupt CFTR protein function with a negative predictive value of 80%. Experimental studies have shown that this missense change affects CFTR function (PMID: 21708286). In summary, the available evidence is currently insufficient to determine the role of this variant in disease. Therefore, it has been classified as a Variant of Uncertain Significance.

Counsyl
Classification: Uncertain significance for Cystic fibrosis. Last evaluated: 2018-04-04. Review status: no assertion criteria provided. Collection method: clinical testing. Allele origin: unknown. Not counted in ClinVar's aggregate classification.

ClinVar Staff, National Center for Biotechnology Information (NCBI)
No classification provided. Condition: CFTR-related disorders. Review status: no classification provided. Collection method: literature only. Allele origin: germline. Affected: yes. Not counted in ClinVar's aggregate classification.

Literature cited by the submitters: PubMed 21708286 (cited by 3 submitters).